The following is an entry in ClinVar:

NM_001267550.2(TTN):c.6829G>C (p.Glu2277Gln)

Genes: TTN (titin; minus strand), LOC126806433 (BRD4-independent group 4 enhancer GRCh37_chr2:179638309-179639508; plus strand). Cytogenetic location: 2q31.2.
Variant type: single nucleotide variant.
Coding change: c.6829G>C on transcript NM_001267550.2 (MANE Select); coding-DNA position 6829, G replaced by C.
Protein change: p.Glu2277Gln; replaces glutamic acid 2277 with glutamine.
Molecular consequence: missense variant.
Genome position (GRCh38, 1-based): chr2:178,774,435, C>G on the plus strand (G>C on the coding strand, the complement: TTN is on the minus strand). VCF-style: chr2-178774435-C-G. GRCh37 (hg19) VCF-style: chr2-179639162-C-G.
Other names: c.6829G>C, p.Glu2277Gln (NM_001256850.1, NM_133378.4, NM_133379.5); c.6691G>C, p.Glu2231Gln (NM_003319.4, NM_133432.3, NM_133437.4); short protein forms E2231Q, E2277Q.
Identifiers: ClinVar variation 3895246 (VCV003895246.1), dbSNP rs373469418.

ClinVar aggregate classification (germline): Likely benign (1 of 4 stars; one submission).

gnomAD v4.1: 33 of 1,613,436 alleles (0.002%); highest among the groups gnomAD compares: Non-Finnish European, 0.0027%; no homozygotes.

Submission:

Molecular Diagnostic Laboratory for Inherited Cardiovascular Disease, Montreal Heart Institute
Classification: Likely benign. Last evaluated: 2025-04-09. Review status: criteria provided, single submitter. Criteria: ACMG Guidelines, 2015. Collection method: clinical testing. Allele origin: germline. Affected: no.
Comment: BP1